The following is an entry in ClinVar:

ClinVar aggregate classification (germline): Uncertain significance (1 of 4 stars; one submission).

Conditions:
Perlman syndrome (PRLMNS). Identifiers: Orphanet 2849, MedGen C0796113, MONDO:0009965, OMIM 267000.

Allele frequency attached by ClinVar (database versions not stated): gnomAD exomes below 0.00001.
gnomAD v4.1: 1 of 1,613,540 alleles (0.000062%); highest among the groups gnomAD compares: South Asian, 0.0011%; no homozygotes.

Submission:

Labcorp Genetics (formerly Invitae), Labcorp
Classification: Uncertain significance for Perlman syndrome. Last evaluated: 2019-11-26. Review status: criteria provided, single submitter. Criteria: Invitae Variant Classification Sherloc (09022015). Collection method: clinical testing. Allele origin: germline.
Comment: In summary, the available evidence is currently insufficient to determine the role of this variant in disease. Therefore, it has been classified as a Variant of Uncertain Significance. Algorithms developed to predict the effect of missense changes on protein structure and function are either unavailable or do not agree on the potential impact of this missense change (SIFT: "Deleterious"; PolyPhen-2: "Probably Damaging"; Align-GVGD: "Class C0"). This variant has not been reported in the literature in individuals with DIS3L2-related conditions. This variant is not present in population databases (ExAC no frequency). This sequence change replaces asparagine with serine at codon 579 of the DIS3L2 protein (p.Asn579Ser). The asparagine residue is highly conserved and there is a small physicochemical difference between asparagine and serine.

NM_152383.5(DIS3L2):c.1736A>G (p.Asn579Ser)

Gene: DIS3L2 (DIS3 like 3'-5' exoribonuclease 2; plus strand). Cytogenetic location: 2q37.1.
Variant type: single nucleotide variant.
Coding change: c.1736A>G on transcript NM_152383.5 (MANE Select); coding-DNA position 1736, A replaced by G.
Protein change: p.Asn579Ser; replaces asparagine 579 with serine.
Molecular consequence: missense variant. On other transcripts: non-coding transcript variant (2), intron variant (1).
Genome position (GRCh38, 1-based): chr2:232,300,116, A>G. VCF-style: chr2-232300116-A-G. GRCh37 (hg19) VCF-style: chr2-233164826-A-G.
Other names: c.1581+36754A>G (NM_001257281.2); short protein forms N579S.
Identifiers: ClinVar variation 839077 (VCV000839077.9), dbSNP rs1694818934, ClinGen allele CA350978762.